The following is an entry in ClinVar:

NM_018489.3(ASH1L):c.8489G>A (p.Arg2830Lys)

Gene: ASH1L (ASH1 like histone lysine methyltransferase; minus strand). Cytogenetic location: 1q22.
Variant type: single nucleotide variant.
Coding change: c.8489G>A on transcript NM_018489.3 (MANE Select); coding-DNA position 8489, G replaced by A.
Protein change: p.Arg2830Lys; replaces arginine 2830 with lysine.
Molecular consequence: missense variant.
Genome position (GRCh38, 1-based): chr1:155,339,340, C>T on the plus strand (G>A on the coding strand, the complement: ASH1L is on the minus strand). VCF-style: chr1-155339340-C-T. GRCh37 (hg19) VCF-style: chr1-155309131-C-T.
Other names: c.8504G>A, p.Arg2835Lys (NM_001366177.2); short protein forms R2830K, R2835K.
Identifiers: ClinVar variation 3359356 (VCV003359356.1).

ClinVar aggregate classification (germline): Uncertain significance (1 of 4 stars; one submission).

gnomAD v4.1: 1 of 1,613,740 alleles (0.000062%); highest among the groups gnomAD compares: Non-Finnish European, 0.000085%; no homozygotes.

Submission:

GeneDx
Classification: Uncertain significance. Last evaluated: 2023-05-31. Review status: criteria provided, single submitter. Criteria: GeneDx Variant Classification Process June 2021. Collection method: clinical testing. Allele origin: germline. Affected: yes.
Comment: Not observed at significant frequency in large population cohorts (gnomAD); In silico analysis supports that this missense variant does not alter protein structure/function; Has not been previously published as pathogenic or benign to our knowledge